The following is an entry in ClinVar:

ClinVar aggregate classification (germline): Uncertain significance (1 of 4 stars; one submission).

Allele frequency attached by ClinVar (database versions not stated): gnomAD exomes below 0.00001; TOPMed below 0.00001; gnomAD 0.00001.
gnomAD v4.1: 2 of 1,613,950 alleles (0.00012%); highest among the groups gnomAD compares: Non-Finnish European, 0.00017%; no homozygotes.

Submission:

Labcorp Genetics (formerly Invitae), Labcorp
Classification: Uncertain significance. Last evaluated: 2022-09-28. Review status: criteria provided, single submitter. Criteria: Invitae Variant Classification Sherloc (09022015). Collection method: clinical testing. Allele origin: germline.
Comment: This sequence change replaces isoleucine, which is neutral and non-polar, with valine, which is neutral and non-polar, at codon 2065 of the FAT4 protein (p.Ile2065Val). This variant is not present in population databases (gnomAD no frequency). This variant has not been reported in the literature in individuals affected with FAT4-related conditions. Advanced modeling of protein sequence and biophysical properties (such as structural, functional, and spatial information, amino acid conservation, physicochemical variation, residue mobility, and thermodynamic stability) performed at Invitae indicates that this missense variant is not expected to disrupt FAT4 protein function. In summary, the available evidence is currently insufficient to determine the role of this variant in disease. Therefore, it has been classified as a Variant of Uncertain Significance.

NM_001291303.3(FAT4):c.6193A>G (p.Ile2065Val)

Gene: FAT4 (FAT atypical cadherin 4; plus strand). Cytogenetic location: 4q28.1.
Variant type: single nucleotide variant.
Coding change: c.6193A>G on transcript NM_001291303.3 (MANE Select); coding-DNA position 6193, A replaced by G.
Protein change: p.Ile2065Val; replaces isoleucine 2065 with valine.
Molecular consequence: missense variant.
Genome position (GRCh38, 1-based): chr4:125,415,156, A>G. VCF-style: chr4-125415156-A-G. GRCh37 (hg19) VCF-style: chr4-126336311-A-G.
Other names: c.6193A>G, p.Ile2065Val (NM_001291285.3, NM_024582.6); short protein forms I2065V.
Identifiers: ClinVar variation 1976673 (VCV001976673.2), dbSNP rs1452622309, ClinGen allele CA358127963.
Genomic context (GRCh38, chr4:125,415,156, plus strand): 5'-AATGATAACCCACCGACATTTCTTTCCCCTAAATTGACATACATTCCAGAAAATACACCT[A>G]TTGATACTGTTGTTTTCAAAGCTCAAGCAACTGACCCAGATAGTGGCCCAAACAGCTATA-3'
Protein context (NP_001278232.1, residues 2055-2075): KLTYIPENTP[Ile2065Val]DTVVFKAQAT